The following is an entry in ClinVar:

NM_001261.4(CDK9):c.175-3C>T

Gene: CDK9 (cyclin dependent kinase 9; plus strand). Cytogenetic location: 9q34.11.
Variant type: single nucleotide variant.
Coding change: c.175-3C>T on transcript NM_001261.4 (MANE Select); 3 bases into the intron before coding-DNA position 175, C replaced by T.
Molecular consequence: intron variant.
Genome position (GRCh38, 1-based): chr9:127,787,515, C>T. VCF-style: chr9-127787515-C-T. GRCh37 (hg19) VCF-style: chr9-130549794-C-T.
Identifiers: ClinVar variation 3054334 (VCV003054334.2), dbSNP rs148032528, ClinGen allele CA5251651.

ClinVar aggregate classification (germline): Likely benign (0 of 4 stars; one submission).

Conditions:
CDK9-related disorder. Also called: CDK9-related condition.

Allele frequency attached by ClinVar (database versions not stated): TOPMed 0.00003; gnomAD 0.00006; gnomAD exomes 0.00006; ExAC 0.00009; 1000 Genomes Project 30x 0.00047; 1000 Genomes Project 0.00060.
gnomAD v4.1: 89 of 1,608,438 alleles (0.0055%); highest among the groups gnomAD compares: East Asian, 0.19%; no homozygotes.

Submission:

PreventionGenetics, part of Exact Sciences
Classification: Likely benign for CDK9-related condition. Last evaluated: 2023-09-28. Review status: no assertion criteria provided. Collection method: clinical testing. Allele origin: germline.
Comment: This variant is classified as likely benign based on ACMG/AMP sequence variant interpretation guidelines (Richards et al. 2015 PMID: 25741868, with internal and published modifications).